The following is an entry in ClinVar:

ClinVar aggregate classification (germline): Uncertain significance (1 of 4 stars; one submission).

Conditions:
Progressive sclerosing poliodystrophy (MTDPS4A). Also called: ALPERS PROGRESSIVE INFANTILE POLIODYSTROPHY; ALPERS DIFFUSE DEGENERATION OF CEREBRAL GRAY MATTER WITH HEPATIC CIRRHOSIS; Alpers-Huttenlocher Syndrome; NEURONAL DEGENERATION OF CHILDHOOD WITH LIVER DISEASE, PROGRESSIVE; Alpers Syndrome; Mitochondrial DNA Depletion Syndrome 4A. Identifiers: Orphanet 726, MedGen C0205710, MONDO:0008758, OMIM 203700.

Allele frequency attached by ClinVar (database versions not stated): gnomAD exomes below 0.00001.
gnomAD v4.1: 1 of 1,573,726 alleles (0.000064%); highest among the groups gnomAD compares: Non-Finnish European, 0.000086%; no homozygotes.

Submission:

Labcorp Genetics (formerly Invitae), Labcorp
Classification: Uncertain significance for Progressive sclerosing poliodystrophy. Last evaluated: 2022-08-16. Review status: criteria provided, single submitter. Criteria: Invitae Variant Classification Sherloc (09022015). Collection method: clinical testing. Allele origin: germline.
Comment: In summary, the available evidence is currently insufficient to determine the role of this variant in disease. Therefore, it has been classified as a Variant of Uncertain Significance. Algorithms developed to predict the effect of missense changes on protein structure and function (SIFT, PolyPhen-2, Align-GVGD) all suggest that this variant is likely to be tolerated. ClinVar contains an entry for this variant (Variation ID: 1018134). This variant has not been reported in the literature in individuals affected with POLG-related conditions. The frequency data for this variant in the population databases is considered unreliable, as metrics indicate poor data quality at this position in the gnomAD database. This sequence change replaces valine, which is neutral and non-polar, with isoleucine, which is neutral and non-polar, at codon 185 of the POLG protein (p.Val185Ile).

NM_002693.3(POLG):c.553G>A (p.Val185Ile)

Genes: POLG (DNA polymerase gamma, catalytic subunit; minus strand), POLGARF (POLG alternative reading frame; minus strand). Cytogenetic location: 15q26.1.
Variant type: single nucleotide variant.
Coding change: c.553G>A on transcript NM_002693.3 (MANE Select); coding-DNA position 553, G replaced by A.
Protein change: p.Val185Ile; replaces valine 185 with isoleucine.
Molecular consequence: missense variant.
Genome position (GRCh38, 1-based): chr15:89,333,202, C>T on the plus strand (G>A on the coding strand, the complement: POLG is on the minus strand). VCF-style: chr15-89333202-C-T. GRCh37 (hg19) VCF-style: chr15-89876433-C-T.
Other names: c.553G>A, p.Val185Ile (NM_001126131.2); short protein forms V185I.
Identifiers: ClinVar variation 1018134 (VCV001018134.9), dbSNP rs953495957, ClinGen allele CA393770875.
Genomic context (GRCh38, chr15:89,333,202, plus strand): 5'-CTGCCAAGCAGACCTCCACGTCGAACACCAGGGCCCGCTCCTCGGGGATGGCCACGGGTA[C>T]GGCCTCCCCCTCGGGGCCGTACCGGGTCCAGCCCTCCGCCCAGGCCCAAGCCGGGGGCTT-3'
Protein context (NP_002684.1, residues 175-195): WTRYGPEGEA[Val185Ile]PVAIPEERAL